The following is an entry in ClinVar:

ClinVar aggregate classification (germline): Uncertain significance. Review status: criteria provided, multiple submitters, no conflicts (2 of 4 stars). 2 submissions from 2 submitters: Uncertain significance (2). Last evaluated 2025-12-24.

Conditions:
Hereditary cancer-predisposing syndrome. Also called: Tumor predisposition; Neoplastic Syndromes, Hereditary; Hereditary Cancer Syndrome; Hereditary neoplastic syndrome. Identifiers: Orphanet 140162, MedGen C0027672, MeSH D009386, MONDO:0015356.
Tumor predisposition syndrome 3 (TPDS3). Also called: Melanoma, cutaneous malignant, susceptibility to, 10; Glioma susceptibility 9; LONG TELOMERE SYNDROME, POT1-RELATED; POT1 Tumor Predisposition. Identifiers: Orphanet 618, MedGen C4014476, MONDO:0014368, OMIM 615848.

gnomAD v4.1: 1 of 1,613,942 alleles (0.000062%); highest among the groups gnomAD compares: Non-Finnish European, 0.000085%; no homozygotes.

Submissions (2):

Ambry Genetics
Classification: Uncertain significance for Hereditary cancer-predisposing syndrome. Last evaluated: 2025-12-24. Review status: criteria provided, single submitter. Criteria: Ambry Variant Classification Scheme 2023. Collection method: clinical testing. Allele origin: germline.
Comment: The p.K121R variant (also known as c.362A>G), located in coding exon 4 of the POT1 gene, results from an A to G substitution at nucleotide position 362. The lysine at codon 121 is replaced by arginine, an amino acid with highly similar properties. This amino acid position is conserved. In addition, this alteration is predicted to be tolerated by in silico analysis. Based on the available evidence, the clinical significance of this variant remains unclear.

Labcorp Genetics (formerly Invitae), Labcorp
Classification: Uncertain significance for Tumor predisposition syndrome 3. Last evaluated: 2025-11-09. Review status: criteria provided, single submitter. Criteria: Invitae Variant Classification Sherloc (09022015). Collection method: clinical testing. Allele origin: germline.
Comment: This sequence change replaces lysine, which is basic and polar, with arginine, which is basic and polar, at codon 121 of the POT1 protein (p.Lys121Arg). This variant is not present in population databases (gnomAD no frequency). This variant has not been reported in the literature in individuals affected with POT1-related conditions. Invitae Evidence Modeling of protein sequence and biophysical properties (such as structural, functional, and spatial information, amino acid conservation, physicochemical variation, residue mobility, and thermodynamic stability) indicates that this missense variant is not expected to disrupt POT1 protein function with a negative predictive value of 80%. In summary, the available evidence is currently insufficient to determine the role of this variant in disease. Therefore, it has been classified as a Variant of Uncertain Significance.

NM_015450.3(POT1):c.362A>G (p.Lys121Arg)

Gene: POT1 (protection of telomeres 1; minus strand). Cytogenetic location: 7q31.33.
Variant type: single nucleotide variant.
Coding change: c.362A>G on transcript NM_015450.3 (MANE Select); coding-DNA position 362, A replaced by G.
Protein change: p.Lys121Arg; replaces lysine 121 with arginine.
Molecular consequence: missense variant. On other transcripts: 5 prime UTR variant (1), non-coding transcript variant (3).
Genome position (GRCh38, 1-based): chr7:124,863,534, T>C on the plus strand (A>G on the coding strand, the complement: POT1 is on the minus strand). VCF-style: chr7-124863534-T-C. GRCh37 (hg19) VCF-style: chr7-124503588-T-C.
Other names: c.-32A>G (NM_001042594.2); c.362A>G (NM_015450.2); short protein forms K121R.
Identifiers: ClinVar variation 4805012 (VCV004805012.2).